The following is an entry in ClinVar:

ClinVar aggregate classification (germline): Uncertain significance (1 of 4 stars; one submission).

Conditions:
Severe combined immunodeficiency, autosomal recessive, T cell-negative, B cell-negative, NK cell-positive. Also called: Severe combined immunodeficiency due to complete RAG1/2 deficiency; SCID, T CELL-NEGATIVE, B CELL-NEGATIVE, NK CELL-POSITIVE; SCID, AR, T-cell negative, B-cell negative, NK cell-positive. Identifiers: Orphanet 331206, MedGen C1832322, MONDO:0011086, OMIM 601457.
Combined immunodeficiency with skin granulomas. Identifiers: Orphanet 157949, MedGen C2673536, MONDO:0009306, OMIM 233650.

Allele frequency attached by ClinVar (database versions not stated): gnomAD 0.00001.

Submission:

Labcorp Genetics (formerly Invitae), Labcorp
Classification: Uncertain significance for Combined immunodeficiency with skin granulomas; Severe combined immunodeficiency, autosomal recessive, T cell-negative, B cell-negative, NK cell-positive. Last evaluated: 2022-08-10. Review status: criteria provided, single submitter. Criteria: Invitae Variant Classification Sherloc (09022015). Collection method: clinical testing. Allele origin: germline.
Comment: This sequence change replaces arginine, which is basic and polar, with glycine, which is neutral and non-polar, at codon 125 of the RAG1 protein (p.Arg125Gly). This variant is present in population databases (no rsID available, gnomAD 0.01%). This variant has not been reported in the literature in individuals affected with RAG1-related conditions. ClinVar contains an entry for this variant (Variation ID: 1389975). Algorithms developed to predict the effect of missense changes on protein structure and function are either unavailable or do not agree on the potential impact of this missense change (SIFT: "Tolerated"; PolyPhen-2: "Probably Damaging"; Align-GVGD: "Class C0"). In summary, the available evidence is currently insufficient to determine the role of this variant in disease. Therefore, it has been classified as a Variant of Uncertain Significance.

NM_000448.3(RAG1):c.373A>G (p.Arg125Gly)

Gene: RAG1 (recombination activating 1; plus strand). Cytogenetic location: 11p12.
Variant type: single nucleotide variant.
Coding change: c.373A>G on transcript NM_000448.3 (MANE Select); coding-DNA position 373, A replaced by G.
Protein change: p.Arg125Gly; replaces arginine 125 with glycine.
Molecular consequence: missense variant.
Genome position (GRCh38, 1-based): chr11:36,573,677, A>G. VCF-style: chr11-36573677-A-G. GRCh37 (hg19) VCF-style: chr11-36595227-A-G.
Other names: c.373A>G, p.Arg125Gly (NM_001377277.1, NM_001377278.1, NM_001377279.1 and 1 more transcripts); short protein forms R125G.
Identifiers: ClinVar variation 1389975 (VCV001389975.5), dbSNP rs776734747, ClinGen allele CA380146411.